The following is an entry in ClinVar:

NM_000038.6(APC):c.2522del (p.Ser840_Leu841insTer)

Gene: APC (APC regulator of Wnt signaling pathway; plus strand). Cytogenetic location: 5q22.2.
Variant type: Deletion.
Coding change: c.2522del on transcript NM_000038.6 (MANE Select); coding-DNA position 2522, one base deleted (T; older notation c.2522delT).
Protein change: p.Ser840_Leu841insTer.
Molecular consequence: nonsense.
Genome position (GRCh38, 1-based): chr5:112,838,116, T deleted; the last of 2 consecutive T bases (chr5:112,838,115-112,838,116); deleting either gives the same sequence. VCF-style (leftmost placement, unchanged base first): chr5-112838114-CT-C. GRCh37 (hg19) VCF-style: chr5-112173811-CT-C.
Other names: c.2522del, p.Ser840_Leu841insTer (NM_001127510.3, NM_001354895.2); c.2468del, p.Ser822_Leu823insTer (NM_001127511.3); c.2576del, p.Ser858_Leu859insTer (NM_001354896.2); c.2552del, p.Ser850_Leu851insTer (NM_001354897.2); c.2447del, p.Ser815_Leu816insTer (NM_001354898.2); c.2438del, p.Ser812_Leu813insTer (NM_001354899.2); c.2399del, p.Ser799_Leu800insTer (NM_001354900.2); c.2345del, p.Ser781_Leu782insTer (NM_001354901.2); and 5 more.
Identifiers: ClinVar variation 642670 (VCV000642670.10), dbSNP rs1580623468, ClinGen allele CA915942619.

ClinVar aggregate classification (germline): Pathogenic (1 of 4 stars; one submission).

Conditions:
Familial adenomatous polyposis 1 (FAP1). Also called: FAMILIAL ADENOMATOUS POLYPOSIS 1, ATTENUATED; POLYPOSIS, ADENOMATOUS INTESTINAL. Identifiers: MedGen C2713442, MONDO:0021056, OMIM 175100. Disease mechanism: loss of function.

Submission:

Labcorp Genetics (formerly Invitae), Labcorp
Classification: Pathogenic for Familial adenomatous polyposis 1. Last evaluated: 2018-10-31. Review status: criteria provided, single submitter. Criteria: Invitae Variant Classification Sherloc (09022015). Collection method: clinical testing. Allele origin: germline.
Comment: This variant is not present in population databases (ExAC no frequency). This sequence change results in a premature translational stop signal in the APC gene (p.Leu841*). While this is not anticipated to result in nonsense mediated decay, it is expected to disrupt the last 2003 amino acids of the APC protein. This amino acid change has been observed in several individuals affected with familial adenomatous polyposis (PMID: 15108288, 19279422, 20685668). This variant is expected to disrupt the EB1 and HDLG binding sites, which mediate interactions with the cytoskeleton (PMID: 15311282, 17293347). While functional studies have not been performed to directly test the effect on APC protein function, this suggests that disruption of the C-terminal portion of the protein is functionally important. A different truncation (p.Tyr2645Lysfs*14) that lies downstream of this variant has been determined to be pathogenic (PMID: 9824584, 1316610, 27081525, 8381579, 22135120, Invitae). This suggests that deletion of this region of the APC protein is causative of disease. For these reasons, this variant has been classified as Pathogenic.

Literature cited by the submitters: PubMed 15108288; PubMed 19279422; PubMed 20685668; PubMed 15311282; PubMed 17293347; PubMed 9824584; PubMed 1316610; PubMed 27081525; PubMed 8381579; PubMed 22135120.